The following is an entry in ClinVar:

NM_001042492.3(NF1):c.3430T>G (p.Cys1144Gly)

Gene: NF1 (neurofibromin 1; plus strand). Cytogenetic location: 17q11.2.
Variant type: single nucleotide variant.
Coding change: c.3430T>G on transcript NM_001042492.3 (MANE Select); coding-DNA position 3430, T replaced by G.
Protein change: p.Cys1144Gly; replaces cysteine 1144 with glycine.
Molecular consequence: missense variant.
Genome position (GRCh38, 1-based): chr17:31,232,815, T>G. VCF-style: chr17-31232815-T-G. GRCh37 (hg19) VCF-style: chr17-29559833-T-G.
Other names: c.3430T>G, p.Cys1144Gly (NM_000267.4); short protein forms C1144G.
Identifiers: ClinVar variation 4975814 (VCV004975814.1).

ClinVar aggregate classification (germline): Uncertain significance (1 of 4 stars; one submission).

Submission:

GeneDx
Classification: Uncertain significance. Last evaluated: 2026-01-28. Review status: criteria provided, single submitter. Criteria: GeneDx Variant Classification Process June 2021. Collection method: clinical testing. Allele origin: germline.
Comment: Not observed at significant frequency in large population cohorts (gnomAD); In silico analysis supports a deleterious effect on splicing; In silico analysis supports that this missense variant has a deleterious effect on protein structure/function; Has not been previously published as pathogenic or benign to our knowledge; This variant is associated with the following publications: (PMID: 2121369, 25486365, 22807134)